The following is an entry in ClinVar:

Conditions:
Long QT syndrome 5 (LQT5). Identifiers: Orphanet 101016, Orphanet 768, MedGen C1867904, MONDO:0013372, OMIM 613695.

Submission:

Roden Lab, Vanderbilt University Medical Center
No classification provided (evidence only). Condition: Long QT syndrome 5. Review status: no classification provided. Collection method: in vitro. Allele origin: not applicable. Functional consequence: Effect on ion channel function.
ClinVar note: "not provided" was previously submitted as the classification for the variant. However, the classification appeared to be based only on an observation of functional data so it was converted to no classification on 2025-07-30.

NM_000219.6(KCNE1):c.242A>C (p.Tyr81Ser)

Gene: KCNE1 (potassium voltage-gated channel subfamily E regulatory subunit 1; minus strand). Cytogenetic location: 21q22.12.
Variant type: single nucleotide variant.
Coding change: c.242A>C on transcript NM_000219.6 (MANE Select); coding-DNA position 242, A replaced by C.
Protein change: p.Tyr81Ser; replaces tyrosine 81 with serine.
Molecular consequence: missense variant.
Genome position (GRCh38, 1-based): chr21:34,449,393, T>G on the plus strand (A>C on the coding strand, the complement: KCNE1 is on the minus strand). VCF-style: chr21-34449393-T-G. GRCh37 (hg19) VCF-style: chr21-35821691-T-G.
Other names: c.242A>C, p.Tyr81Ser (NM_001127668.4, NM_001127669.4, NM_001127670.4 and 4 more transcripts); short protein forms Y81S.
Identifiers: ClinVar variation 3374418 (VCV003374418.2).